The following is an entry in ClinVar:

NM_001378609.3(OTOGL):c.4096G>T (p.Val1366Leu)

Gene: OTOGL (otogelin like; plus strand). Cytogenetic location: 12q21.31.
Variant type: single nucleotide variant.
Coding change: c.4096G>T on transcript NM_001378609.3 (MANE Select); coding-DNA position 4096, G replaced by T.
Protein change: p.Val1366Leu; replaces valine 1366 with leucine.
Molecular consequence: missense variant.
Genome position (GRCh38, 1-based): chr12:80,323,737, G>T. VCF-style: chr12-80323737-G-T. GRCh37 (hg19) VCF-style: chr12-80717517-G-T.
Other names: c.3961G>T, p.Val1321Leu (NM_001368062.3); c.4096G>T, p.Val1366Leu (NM_001378610.3, NM_173591.7); short protein forms V1321L, V1366L.
Identifiers: ClinVar variation 3899193 (VCV003899193.1).
Genomic context (GRCh38, chr12:80,323,737, plus strand): 5'-GCTATGTATTAAATATGCACACAATCTAAACTTTATTTTTTCCCAGAAATCCAGGCAGCA[G>T]TGCCTTACAGGAAGATGTGTGAATGGAGATATGAACCTTGTGCTACACCCTGTTTTAAAA-3'
Protein context (NP_001365538.2, residues 1356-1376): SFSIEEIQAA[Val1366Leu]PYRKMCEWRY

ClinVar aggregate classification (germline): Uncertain significance (1 of 4 stars; one submission).

gnomAD v4.1: 1 of 1,613,546 alleles (0.000062%); no homozygotes.

Submission:

GeneDx
Classification: Uncertain significance. Last evaluated: 2024-11-11. Review status: criteria provided, single submitter. Criteria: GeneDx Variant Classification Process June 2021. Collection method: clinical testing. Allele origin: germline. Affected: yes.
Comment: Not observed at significant frequency in large population cohorts (gnomAD); In silico analysis indicates that this missense variant does not alter protein structure/function; Has not been previously published as pathogenic or benign to our knowledge